The following is an entry in ClinVar:

ClinVar aggregate classification (germline): Uncertain significance (1 of 4 stars; one submission).

Conditions:
Inborn genetic diseases. Identifiers: MedGen C0950123, MeSH D030342.

Submission:

Ambry Genetics
Classification: Uncertain significance for Inborn genetic diseases. Last evaluated: 2024-12-14. Review status: criteria provided, single submitter. Criteria: Ambry Variant Classification Scheme 2023. Collection method: clinical testing. Allele origin: germline.
Comment: The p.V199L variant (also known as c.595G>C), located in coding exon 5 of the HAX1 gene, results from a G to C substitution at nucleotide position 595. The valine at codon 199 is replaced by leucine, an amino acid with highly similar properties. This amino acid position is conserved. In addition, this alteration is predicted to be tolerated by in silico analysis. Based on the available evidence, the clinical significance of this variant remains unclear.

NM_006118.4(HAX1):c.595G>C (p.Val199Leu)

Gene: HAX1 (HCLS1 associated protein X-1; plus strand). Cytogenetic location: 1q21.3.
Variant type: single nucleotide variant.
Coding change: c.595G>C on transcript NM_006118.4 (MANE Select); coding-DNA position 595, G replaced by C.
Protein change: p.Val199Leu; replaces valine 199 with leucine.
Molecular consequence: missense variant.
Genome position (GRCh38, 1-based): chr1:154,275,192, G>C. VCF-style: chr1-154275192-G-C. GRCh37 (hg19) VCF-style: chr1-154247668-G-C.
Other names: c.451G>C, p.Val151Leu (NM_001018837.2); short protein forms V151L, V199L.
Identifiers: ClinVar variation 3856855 (VCV003856855.1).